The following is an entry in ClinVar:

NM_005359.6(SMAD4):c.424+1G>A

Gene: SMAD4 (SMAD family member 4; plus strand). Cytogenetic location: 18q21.2.
Variant type: single nucleotide variant.
Coding change: c.424+1G>A on transcript NM_005359.6 (MANE Select); the canonical splice donor site of the intron after coding-DNA position 424, G replaced by A.
Molecular consequence: splice donor variant.
Genome position (GRCh38, 1-based): chr18:51,048,861, G>A. VCF-style: chr18-51048861-G-A. GRCh37 (hg19) VCF-style: chr18-48575231-G-A.
Other names: c.424+1G>A (NM_001407042.1, NM_001407041.1, NM_001407043.1).
Identifiers: ClinVar variation 1738995 (VCV001738995.9), dbSNP rs377767386, ClinGen allele CA261036.
Genomic context (GRCh38, chr18:51,048,861, plus strand): 5'-AATGTGATAGTGTCTGTGTGAATCCATATCACTACGAACGAGTTGTATCACCTGGAATTG[G>A]TAAGTAGACTTTGCTTTCATCCTAAGAAACATAAAGGGAAAAGGATCTCAATAGTGTTTC-3'

ClinVar aggregate classification (germline): Pathogenic/Likely pathogenic. Review status: criteria provided, multiple submitters, no conflicts (2 of 4 stars). 4 submissions from 4 submitters: Pathogenic (2); Likely pathogenic (2). Last evaluated 2026-04-03.

Conditions:
Familial thoracic aortic aneurysm and aortic dissection (TAAD). Also called: Thoracic aortic aneurysms and dissections. Identifiers: Orphanet 91387, MedGen C4707243, MONDO:0019625.
Hereditary cancer-predisposing syndrome. Also called: Neoplastic Syndromes, Hereditary; Tumor predisposition; Hereditary neoplastic syndrome; Hereditary Cancer Syndrome. Identifiers: Orphanet 140162, MedGen C0027672, MeSH D009386, MONDO:0015356.
Juvenile polyposis syndrome (JPS). Identifiers: Orphanet 2929, MedGen C0345893, MONDO:0017380, OMIM 174900.

Allele frequency attached by ClinVar (database versions not stated): gnomAD exomes below 0.00001.
gnomAD v4.1: 1 of 1,609,546 alleles (0.000062%); highest among the groups gnomAD compares: Non-Finnish European, 0.000085%; no homozygotes.

Submissions (4):

GeneDx
Classification: Pathogenic. Last evaluated: 2026-04-03. Review status: criteria provided, single submitter. Criteria: GeneDx Variant Classification Process June 2021. Collection method: clinical testing. Allele origin: germline.
Comment: Canonical splice site variant predicted to result in a null allele in a gene for which loss of function is a known mechanism of disease; Not observed at significant frequency in large population cohorts (gnomAD); Also known as IVS2+1G>A; This variant is associated with the following publications: (PMID: 25525159, 11583957, 39063183)

Ambry Genetics
Classification: Pathogenic for Hereditary cancer-predisposing syndrome; Familial thoracic aortic aneurysm and aortic dissection. Last evaluated: 2023-03-21. Review status: criteria provided, single submitter. Criteria: Ambry Variant Classification Scheme 2023. Collection method: clinical testing. Allele origin: germline.
Comment: The c.424+1G>A intronic pathogenic mutation results from a G to A substitution one nucleotide after coding exon 2 of the SMAD4 gene. This mutation was previously identified in a family affected with juvenile polyposis syndrome (Woodford-Richens KL et al. Am. J. Pathol., 2001 Oct;159:1293-300). Furthermore, this alteration has been observed in at least one individual with a personal history that is consistent with juvenile polyposis syndrome (Ambry internal data). This variant is considered to be rare based on population cohorts in the Genome Aggregation Database (gnomAD). In silico splice site analysis predicts that this alteration will weaken the native splice donor site; however, direct evidence is insufficient at this time (Ambry internal data). In addition to the clinical data presented in the literature, alterations that disrupt the canonical splice site are expected to cause aberrant splicing, resulting in an abnormal protein or a transcript that is subject to nonsense-mediated mRNA decay. As such, this alteration is classified as a disease-causing mutation.

Labcorp Genetics (formerly Invitae), Labcorp
Classification: Likely pathogenic for Juvenile polyposis syndrome. Last evaluated: 2023-03-07. Review status: criteria provided, single submitter. Criteria: Invitae Variant Classification Sherloc (09022015). Collection method: clinical testing. Allele origin: germline.
Comment: Disruption of this splice site has been observed in individual(s) with juvenile polyposis syndrome (PMID: 11583957). In summary, the currently available evidence indicates that the variant is pathogenic, but additional data are needed to prove that conclusively. Therefore, this variant has been classified as Likely Pathogenic. Algorithms developed to predict the effect of sequence changes on RNA splicing suggest that this variant may disrupt the consensus splice site. ClinVar contains an entry for this variant (Variation ID: 1738995). This variant is also known as +1 splice donor intron 2 g > a. This variant is not present in population databases (gnomAD no frequency). This sequence change affects a donor splice site in intron 3 of the SMAD4 gene. It is expected to disrupt RNA splicing. Variants that disrupt the donor or acceptor splice site typically lead to a loss of protein function (PMID: 16199547), and loss-of-function variants in SMAD4 are known to be pathogenic (PMID: 16152648, 16436638, 22810475).

Laboratory for Molecular Medicine, Mass General Brigham Personalized Medicine
Classification: Likely pathogenic for Juvenile polyposis syndrome. Last evaluated: 2020-04-02. Review status: criteria provided, single submitter. Criteria: ACMG Guidelines, 2015. Collection method: clinical testing. Allele origin: germline. Inheritance: Autosomal dominant inheritance.
Comment: The c.424+1G>A variant in SMAD4 has been reported in 1 individual with juvenile polyposis syndrome and segregated with disease in at least 2 affected family members (Woodford-Richens 2001). It was absent from large population studies. This variant occurs within the canonical splice site (+/- 1,2) and is predicted to cause altered splicing leading to an abnormal or absent protein. Loss of function of the SMAD4 gene is an established disease mechanism in autosomal dominant juvenile polyposis syndrome. In summary, although additional studies are required to fully establish its clinical significance, this variant meets criteria to be classified as likely pathogenic for autosomal dominant juvenile polyposis syndrome. ACMG/AMP criteria applied: PVS1_Strong, PM2, PP4.

Literature cited by the submitters: PubMed 11583957 (cited by Labcorp Genetics (formerly Invitae), Labcorp and Laboratory for Molecular Medicine, Mass General Brigham Personalized Medicine); PubMed 16199547 (cited by Labcorp Genetics (formerly Invitae), Labcorp); PubMed 16152648 (cited by Labcorp Genetics (formerly Invitae), Labcorp); PubMed 16436638 (cited by Labcorp Genetics (formerly Invitae), Labcorp); PubMed 22810475 (cited by Labcorp Genetics (formerly Invitae), Labcorp).